The following is an entry in ClinVar:

ClinVar aggregate classification (germline): Likely pathogenic (1 of 4 stars; one submission).

Conditions:
Wilson disease (WND). Also called: Wilson's disease. Identifiers: Orphanet 905, MedGen C0019202, MONDO:0010200, OMIM 277900. Disease mechanism: loss of function.

Submission:

Diagnostics Services (NGS), CSIR - Centre For Cellular And Molecular Biology
Classification: Likely pathogenic for Wilson disease. Last evaluated: 2024-07-19. Review status: criteria provided, single submitter. Criteria: ACMG Guidelines, 2015. Collection method: clinical testing. Allele origin: unknown. Affected: yes. Observed: 1 variant allele, 1 heterozygote.
Comment: The c.2968G>C variant is not present in publicly available population databases like 1000 Genomes, EVS, ExAC, Indian Exome Database or our in-house exome database. This variant has been previously observed in Spanish and Western Indian patients with Wilson disease [PMID: 17300695, 23551039] and reported to the Human Genome Mutation Database (HGMD ID- CM136093). In-silico pathogenicity prediction programs like SIFT, PolyPhen-2, MutationTaster2, CADD, Varsome, Franklin etc predicted this variant to be likely deleterious however these predictions were not confirmed by published functional studies. This variant is located in a mutational hotspot region of the gene.

Literature cited by the submitters: PubMed 17300695; PubMed 23551039.

NM_000053.4(ATP7B):c.2968G>C (p.Ala990Pro)

Gene: ATP7B (ATPase copper transporting beta; minus strand). Cytogenetic location: 13q14.3.
Variant type: single nucleotide variant.
Coding change: c.2968G>C on transcript NM_000053.4 (MANE Select); coding-DNA position 2968, G replaced by C.
Protein change: p.Ala990Pro; replaces alanine 990 with proline.
Molecular consequence: missense variant. On other transcripts: intron variant (6).
Genome position (GRCh38, 1-based): chr13:51,946,376, C>G on the plus strand (G>C on the coding strand, the complement: ATP7B is on the minus strand). VCF-style: chr13-51946376-C-G. GRCh37 (hg19) VCF-style: chr13-52520512-C-G.
Other names: c.2347G>C, p.Ala783Pro (NM_001005918.3); c.2635G>C, p.Ala879Pro (NM_001243182.2); c.2734G>C, p.Ala912Pro (NM_001330578.2, NM_001406538.1, NM_001406527.1 and 1 more transcripts); c.2716G>C, p.Ala906Pro (NM_001330579.2, NM_001406531.1, NM_001406532.1); c.2968G>C, p.Ala990Pro (NM_001406511.1, NM_001406512.1, NM_001406513.1 and 2 more transcripts); c.2935G>C, p.Ala979Pro (NM_001406514.1); c.2914G>C, p.Ala972Pro (NM_001406515.1, NM_001406516.1); c.2872G>C, p.Ala958Pro (NM_001406517.1, NM_001406518.1); and 18 more; short protein forms A560P, A774P, A783P, A796P, A828P, A847P, A874P, A879P.
Identifiers: ClinVar variation 3340521 (VCV003340521.1).
Genomic context (GRCh38, chr13:51,946,376, plus strand): 5'-TGATGAGGATGCCGTTCTGCGCGGCCACCCCGGTGCCCACCATGACAGCCGTGGGCGTGG[C>G]CAGCCCCAGGGAGCAGGGGCAGGCAATGCACAGCACCGTGATGGACGTCTGGAAAGCAAA-3'
Protein context (NP_000044.2, residues 980-1000): CIACPCSLGL[Ala990Pro]TPTAVMVGTG